The following is an entry in ClinVar:

ClinVar aggregate classification (germline): Uncertain significance (1 of 4 stars; one submission).

Conditions:
Vici syndrome (VICIS). Identifiers: Orphanet 1493, MedGen C1855772, MONDO:0009452, OMIM 242840.

Allele frequency attached by ClinVar (database versions not stated): TOPMed below 0.00001; gnomAD 0.00001; gnomAD exomes 0.00001.
gnomAD v4.1: 4 of 1,585,500 alleles (0.00025%); highest among the groups gnomAD compares: Non-Finnish European, 0.00034%; no homozygotes.

Submission:

Labcorp Genetics (formerly Invitae), Labcorp
Classification: Uncertain significance for Vici syndrome. Last evaluated: 2022-07-05. Review status: criteria provided, single submitter. Criteria: Invitae Variant Classification Sherloc (09022015). Collection method: clinical testing. Allele origin: germline.
Comment: This sequence change replaces proline, which is neutral and non-polar, with arginine, which is basic and polar, at codon 754 of the EPG5 protein (p.Pro754Arg). The frequency data for this variant in the population databases is considered unreliable, as metrics indicate poor data quality at this position in the gnomAD database. This variant has not been reported in the literature in individuals affected with EPG5-related conditions. ClinVar contains an entry for this variant (Variation ID: 1014145). Algorithms developed to predict the effect of missense changes on protein structure and function are either unavailable or do not agree on the potential impact of this missense change (SIFT: "Tolerated"; PolyPhen-2: "Probably Damaging"; Align-GVGD: "Class C0"). In summary, the available evidence is currently insufficient to determine the role of this variant in disease. Therefore, it has been classified as a Variant of Uncertain Significance.

NM_020964.3(EPG5):c.2261C>G (p.Pro754Arg)

Gene: EPG5 (ectopic P-granules 5 autophagy tethering factor; minus strand). Cytogenetic location: 18q21.1.
Variant type: single nucleotide variant.
Coding change: c.2261C>G on transcript NM_020964.3 (MANE Select); coding-DNA position 2261, C replaced by G.
Protein change: p.Pro754Arg; replaces proline 754 with arginine.
Molecular consequence: missense variant.
Genome position (GRCh38, 1-based): chr18:45,930,827, G>C on the plus strand (C>G on the coding strand, the complement: EPG5 is on the minus strand). VCF-style: chr18-45930827-G-C. GRCh37 (hg19) VCF-style: chr18-43510793-G-C.
Other names: short protein forms P754R.
Identifiers: ClinVar variation 1014145 (VCV001014145.8), dbSNP rs1163010781, ClinGen allele CA402347481.
Genomic context (GRCh38, chr18:45,930,827, plus strand): 5'-CAAATCTCTTCTGAGCTATTCATAGAAGAAAGACACTTCTCAAAGTTGGTAAAATGTTCT[G>C]GGTCTGCAAGTTCATATCAAGAAAATTAGAGTGGGGAAAGAATAAATTTATATCTTTTAA-3'
Protein context (NP_066015.2, residues 744-764): PAQCKQQLQD[Pro754Arg]EHFTNFEKCL